The following is an entry in ClinVar:

NM_000428.3(LTBP2):c.1021+6G>C

Gene: LTBP2 (latent transforming growth factor beta binding protein 2; minus strand). Cytogenetic location: 14q24.3.
Variant type: single nucleotide variant.
Coding change: c.1021+6G>C on transcript NM_000428.3 (MANE Select); 6 bases into the intron after coding-DNA position 1021, G replaced by C.
Molecular consequence: intron variant.
Genome position (GRCh38, 1-based): chr14:74,555,497, C>G on the plus strand (G>C on the coding strand, the complement: LTBP2 is on the minus strand). VCF-style: chr14-74555497-C-G. GRCh37 (hg19) VCF-style: chr14-75022200-C-G.
Identifiers: ClinVar variation 1369264 (VCV001369264.6), dbSNP rs1196917279, ClinGen allele CA964745411.

ClinVar aggregate classification (germline): Uncertain significance (1 of 4 stars; one submission).

Allele frequency attached by ClinVar (database versions not stated): TOPMed below 0.00001; gnomAD 0.00001.

Submission:

Labcorp Genetics (formerly Invitae), Labcorp
Classification: Uncertain significance. Last evaluated: 2022-06-20. Review status: criteria provided, single submitter. Criteria: Invitae Variant Classification Sherloc (09022015). Collection method: clinical testing. Allele origin: germline.
Comment: Variants that disrupt the consensus splice site are a relatively common cause of aberrant splicing (PMID: 17576681, 9536098). Algorithms developed to predict the effect of sequence changes on RNA splicing suggest that this variant is not likely to affect RNA splicing. This sequence change falls in intron 4 of the LTBP2 gene. It does not directly change the encoded amino acid sequence of the LTBP2 protein. It affects a nucleotide within the consensus splice site. This variant is not present in population databases (gnomAD no frequency). This variant has not been reported in the literature in individuals affected with LTBP2-related conditions. In summary, the available evidence is currently insufficient to determine the role of this variant in disease. Therefore, it has been classified as a Variant of Uncertain Significance.

Literature cited by the submitters: PubMed 17576681; PubMed 9536098.